The following is an entry in ClinVar:

NM_001267550.2(TTN):c.103492G>A (p.Val34498Ile)

Genes: TTN-AS1 (TTN antisense RNA 1; plus strand), TTN (titin; minus strand). Cytogenetic location: 2q31.2.
Variant type: single nucleotide variant.
Coding change: c.103492G>A on transcript NM_001267550.2 (MANE Select); coding-DNA position 103492, G replaced by A.
Protein change: p.Val34498Ile; replaces valine 34498 with isoleucine.
Molecular consequence: missense variant.
Genome position (GRCh38, 1-based): chr2:178,533,123, C>T on the plus strand (G>A on the coding strand, the complement: TTN is on the minus strand). VCF-style: chr2-178533123-C-T. GRCh37 (hg19) VCF-style: chr2-179397850-C-T.
Other names: c.98569G>A, p.Val32857Ile (NM_001256850.1); c.76297G>A, p.Val25433Ile (NM_003319.4); c.95788G>A, p.Val31930Ile (NM_133378.4); c.76672G>A, p.Val25558Ile (NM_133432.3); c.76873G>A, p.Val25625Ile (NM_133437.4); short protein forms V25433I, V25558I, V25625I, V31930I, V32857I, V34498I.
Identifiers: ClinVar variation 3749897 (VCV003749897.2).

ClinVar aggregate classification (germline): Uncertain significance (1 of 4 stars; one submission).

Conditions:
Autosomal recessive limb-girdle muscular dystrophy type 2J (LGMDR10). Also called: Limb-girdle muscular dystrophy, type 2J; MUSCULAR DYSTROPHY, LIMB-GIRDLE, AUTOSOMAL RECESSIVE 10. Identifiers: Orphanet 140922, MedGen C1837342, MONDO:0012127, OMIM 608807.
Dilated cardiomyopathy 1G (CMD1G). Identifiers: Orphanet 154, MedGen C1858763, MONDO:0011400, OMIM 604145.

gnomAD v4.1: 1 of 1,613,842 alleles (0.000062%); highest among the groups gnomAD compares: Non-Finnish European, 0.000085%; no homozygotes.

Submission:

Labcorp Genetics (formerly Invitae), Labcorp
Classification: Uncertain significance for Dilated cardiomyopathy 1G; Autosomal recessive limb-girdle muscular dystrophy type 2J. Last evaluated: 2025-01-30. Review status: criteria provided, single submitter. Criteria: Invitae Variant Classification Sherloc (09022015). Collection method: clinical testing. Allele origin: germline.
Comment: This sequence change replaces valine, which is neutral and non-polar, with isoleucine, which is neutral and non-polar, at codon 34498 of the TTN protein (p.Val34498Ile). This variant is not present in population databases (gnomAD no frequency). This variant has not been reported in the literature in individuals affected with TTN-related conditions. Experimental studies and prediction algorithms are not available or were not evaluated, and the functional significance of this variant is currently unknown. This variant is located in the M band of TTN (PMID: 25589632). Non-truncating variants in this region may be relevant for neuromuscular disorders, but have not been definitively shown to cause cardiomyopathy (PMID: 23975875). In summary, the available evidence is currently insufficient to determine the role of this variant in disease. Therefore, it has been classified as a Variant of Uncertain Significance.

Literature cited by the submitters: PubMed 25589632; PubMed 23975875.